The following is an entry in ClinVar:

NM_003482.4(KMT2D):c.6538G>A (p.Ala2180Thr)

Gene: KMT2D (lysine methyltransferase 2D; minus strand). Cytogenetic location: 12q13.12.
Variant type: single nucleotide variant.
Coding change: c.6538G>A on transcript NM_003482.4 (MANE Select); coding-DNA position 6538, G replaced by A.
Protein change: p.Ala2180Thr; replaces alanine 2180 with threonine.
Molecular consequence: missense variant.
Genome position (GRCh38, 1-based): chr12:49,041,232, C>T on the plus strand (G>A on the coding strand, the complement: KMT2D is on the minus strand). VCF-style: chr12-49041232-C-T. GRCh37 (hg19) VCF-style: chr12-49435015-C-T.
Other names: short protein forms A2180T.
Identifiers: ClinVar variation 2634527 (VCV002634527.4), dbSNP rs773405409, ClinGen allele CA6547242.

ClinVar aggregate classification (germline): Conflicting classifications of pathogenicity. Review status: criteria provided, conflicting classifications (1 of 4 stars). 3 submissions from 3 submitters: Uncertain significance (2); Benign (1). Last evaluated 2025-06-01.

Conditions:
Choanal atresia-athelia-hypothyroidism-delayed puberty-short stature syndrome (BCAHH). Also called: BRANCHIAL ARCH ABNORMALITIES, CHOANAL ATRESIA, ATHELIA, HEARING LOSS, AND HYPOTHYROIDISM SYNDROME. Identifiers: Orphanet 589856, MedGen C5680310, MONDO:0035651, OMIM 620186.
Kabuki syndrome 1 (KABUK1). Also called: KMT2D-Related Kabuki Syndrome. Identifiers: Orphanet 2322, MedGen CN030661, MONDO:0007843, OMIM 147920.
Kabuki syndrome. Also called: Kabuki make-up syndrome; NIIKAWA-KUROKI SYNDROME. Identifiers: Orphanet 2322, MedGen C0796004, MONDO:0016512.
KMT2D-related disorder. Also called: KMT2D-Related Disorders.

Allele frequency attached by ClinVar (database versions not stated): gnomAD exomes 0.00001; ExAC 0.00003.
gnomAD v4.1: 3 of 1,513,602 alleles (0.0002%); highest among the groups gnomAD compares: Admixed American, 0.0023%; no homozygotes.

Submissions (3):

Labcorp Genetics (formerly Invitae), Labcorp
Classification: Benign for Kabuki syndrome. Last evaluated: 2025-06-01. Review status: criteria provided, single submitter. Criteria: Invitae Variant Classification Sherloc (09022015). Collection method: clinical testing. Allele origin: germline.

PreventionGenetics, part of Exact Sciences
Classification: Uncertain significance for KMT2D-related condition. Last evaluated: 2024-10-28. Review status: criteria provided, single submitter. Criteria: ACMG Guidelines, 2015. Collection method: clinical testing. Allele origin: germline.
Comment: The KMT2D c.6538G>A variant is predicted to result in the amino acid substitution p.Ala2180Thr. To our knowledge, this variant has not been reported in the literature. This variant is reported in 0.0072% of alleles in individuals of East Asian descent in gnomAD. At this time, the clinical significance of this variant is uncertain due to the absence of conclusive functional and genetic evidence.

Fulgent Genetics
Classification: Uncertain significance for Kabuki syndrome 1; Choanal atresia-athelia-hypothyroidism-delayed puberty-short stature syndrome. Last evaluated: 2024-04-01. Review status: criteria provided, single submitter. Criteria: ACMG Guidelines, 2015. Collection method: clinical testing. Allele origin: germline.